The following is an entry in ClinVar:

ClinVar aggregate classification (germline): Likely pathogenic (1 of 4 stars; one submission).

Submission:

GeneDx
Classification: Likely pathogenic. Last evaluated: 2026-09-05. Review status: criteria provided, single submitter. Criteria: GeneDx Variant Classification Process June 2021. Collection method: clinical testing. Allele origin: germline.
Comment: Nonsense variant predicted to result in protein truncation or nonsense mediated decay in a gene for which loss of function is a known mechanism of disease; Not observed at significant frequency in large population cohorts (gnomAD); Has not been previously published as pathogenic or benign to our knowledge

NM_004612.4(TGFBR1):c.1142dup (p.Pro381_Glu382insTer)

Gene: TGFBR1 (transforming growth factor beta receptor 1; plus strand). Cytogenetic location: 9q22.33.
Variant type: Duplication.
Coding change: c.1142dup on transcript NM_004612.4 (MANE Select); coding-DNA position 1142, one base duplicated (C; older notation c.1142dupC).
Protein change: p.Pro381_Glu382insTer.
Molecular consequence: frameshift variant. On other transcripts: non-coding transcript variant (1).
Genome position (GRCh38, 1-based): chr9:99,146,496, C duplicated; the last of 4 consecutive C bases (chr9:99,146,493-99,146,496); duplicating any one gives the same sequence. VCF-style (leftmost placement, unchanged base first): chr9-99146492-G-GC. GRCh37 (hg19) VCF-style: chr9-101908774-G-GC.
Other names: c.911dup, p.Pro304_Glu305insTer (NM_001130916.3, NM_001407435.1); c.1154dup, p.Pro385_Glu386insTer (NM_001306210.2); c.986dup, p.Pro329_Glu330insTer (NM_001407416.1); c.974dup, p.Pro325_Glu326insTer (NM_001407417.1); c.947dup, p.Pro316_Glu317insTer (NM_001407418.1, NM_001407419.1, NM_001407420.1 and 1 more transcripts); c.935dup, p.Pro312_Glu313insTer (NM_001407423.1, NM_001407424.1, NM_001407425.1 and 8 more transcripts); c.896dup, p.Pro299_Glu300insTer (NM_001407436.1); c.434dup, p.Pro145_Glu146insTer (NM_001407437.1); and 1 more.
Identifiers: ClinVar variation 2504656 (VCV002504656.2), dbSNP rs2490249687, ClinGen allele CA2580616265.
Genomic context (GRCh38, chr9:99,146,492, plus strand): 5'-AATATGGCAGTAAGGGGATGATTTTCAAAGTTCTTTTTGCAAATTTTTTTTAGGTACATG[G>GC]CCCCTGAAGTTCTCGATGATTCCATAAATATGAAACATTTTGAATCCTTCAAACGTGCTG-3'